The following is an entry in ClinVar:

ClinVar aggregate classification (germline): Likely pathogenic (1 of 4 stars; one submission).

Submission:

Labcorp Genetics (formerly Invitae), Labcorp
Classification: Likely pathogenic. Last evaluated: 2025-08-10. Review status: criteria provided, single submitter. Criteria: Invitae Variant Classification Sherloc (09022015). Collection method: clinical testing. Allele origin: germline.
Comment: This sequence change affects a donor splice site in intron 11 of the DENND5A gene. It is expected to disrupt RNA splicing. Variants that disrupt the donor or acceptor splice site typically lead to a loss of protein function (PMID: 16199547), and loss-of-function variants in DENND5A are known to be pathogenic (PMID: 27431290, 27866705). This variant is not present in population databases (gnomAD no frequency). This variant has not been reported in the literature in individuals affected with DENND5A-related conditions. Algorithms developed to predict the effect of sequence changes on RNA splicing suggest that this variant may disrupt the consensus splice site. In summary, the currently available evidence indicates that the variant is pathogenic, but additional data are needed to prove that conclusively. Therefore, this variant has been classified as Likely Pathogenic.

Literature cited by the submitters: PubMed 16199547; PubMed 27431290; PubMed 27866705.

NM_015213.4(DENND5A):c.2283+1G>T

Gene: DENND5A (DENN domain containing 5A; minus strand). Cytogenetic location: 11p15.4.
Variant type: single nucleotide variant.
Coding change: c.2283+1G>T on transcript NM_015213.4 (MANE Select); the canonical splice donor site of the intron after coding-DNA position 2283, G replaced by T.
Molecular consequence: splice donor variant.
Genome position (GRCh38, 1-based): chr11:9,165,835, C>A on the plus strand (G>T on the coding strand, the complement: DENND5A is on the minus strand). VCF-style: chr11-9165835-C-A. GRCh37 (hg19) VCF-style: chr11-9187382-C-A.
Other names: c.2211+1G>T (NM_001348749.2); c.2283+1G>T (NM_001243254.2); c.1995+1G>T (NM_001348750.2).
Identifiers: ClinVar variation 4714997 (VCV004714997.1).